The following is an entry in ClinVar:

NM_024337.4(IRX1):c.960G>A (p.Ala320=)

Gene: IRX1 (iroquois homeobox 1; plus strand). Cytogenetic location: 5p15.33.
Variant type: single nucleotide variant.
Coding change: c.960G>A on transcript NM_024337.4 (MANE Select); coding-DNA position 960, G replaced by A.
Protein change: p.Ala320=; no amino-acid change (alanine 320 retained).
Molecular consequence: synonymous variant.
Genome position (GRCh38, 1-based): chr5:3,599,908, G>A. VCF-style: chr5-3599908-G-A. GRCh37 (hg19) VCF-style: chr5-3600022-G-A.
Identifiers: ClinVar variation 3038078 (VCV003038078.2), dbSNP rs200644003, ClinGen allele CA3188955.

ClinVar aggregate classification (germline): Benign (0 of 4 stars; one submission).

Conditions:
IRX1-related disorder. Also called: IRX1-related condition.

Allele frequency attached by ClinVar (database versions not stated): gnomAD exomes 0.00043; ExAC 0.00240; ESP Exome Variant Server 0.00249; 1000 Genomes Project 0.00399; gnomAD 0.00406; 1000 Genomes Project 30x 0.00437; TOPMed 0.00453.
gnomAD v4.1: 1,206 of 1,475,082 alleles (0.082%); highest among the groups gnomAD compares: African/African-American, 1.4%; 8 homozygotes.

Submission:

PreventionGenetics, part of Exact Sciences
Classification: Benign for IRX1-related condition. Last evaluated: 2019-12-23. Review status: no assertion criteria provided. Collection method: clinical testing. Allele origin: germline.
Comment: This variant is classified as benign based on ACMG/AMP sequence variant interpretation guidelines (Richards et al. 2015 PMID: 25741868, with internal and published modifications).